The following is an entry in ClinVar:

ClinVar aggregate classification (germline): Uncertain significance (1 of 4 stars; one submission).

Conditions:
L-2-hydroxyglutaric aciduria (L2HGA). Identifiers: Orphanet 79314, MedGen C1855995, MONDO:0009370, OMIM 236792, HP:0040144.

Allele frequency attached by ClinVar (database versions not stated): gnomAD exomes 0.00001 and 0.00002; ExAC 0.00002; TOPMed 0.00002; gnomAD 0.00003 and 0.00004.

Submission:

Labcorp Genetics (formerly Invitae), Labcorp
Classification: Uncertain significance for L-2-hydroxyglutaric aciduria. Last evaluated: 2022-04-08. Review status: criteria provided, single submitter. Criteria: Invitae Variant Classification Sherloc (09022015). Collection method: clinical testing. Allele origin: germline.
Comment: Algorithms developed to predict the effect of missense changes on protein structure and function are either unavailable or do not agree on the potential impact of this missense change (SIFT: "Deleterious"; PolyPhen-2: "Probably Damaging"; Align-GVGD: "Class C0"). This variant has not been reported in the literature in individuals affected with L2HGDH-related conditions. This variant is present in population databases (rs777120544, gnomAD 0.008%). This sequence change replaces alanine, which is neutral and non-polar, with threonine, which is neutral and polar, at codon 438 of the L2HGDH protein (p.Ala438Thr). In summary, the available evidence is currently insufficient to determine the role of this variant in disease. Therefore, it has been classified as a Variant of Uncertain Significance.

NM_024884.3(L2HGDH):c.1312G>A (p.Ala438Thr)

Gene: L2HGDH (L-2-hydroxyglutarate dehydrogenase; minus strand). Cytogenetic location: 14q21.3.
Variant type: single nucleotide variant.
Coding change: c.1312G>A on transcript NM_024884.3 (MANE Select); coding-DNA position 1312, G replaced by A.
Protein change: p.Ala438Thr; replaces alanine 438 with threonine.
Molecular consequence: missense variant.
Genome position (GRCh38, 1-based): chr14:50,247,138, C>T on the plus strand (G>A on the coding strand, the complement: L2HGDH is on the minus strand). VCF-style: chr14-50247138-C-T. GRCh37 (hg19) VCF-style: chr14-50713856-C-T.
Other names: short protein forms A438T.
Identifiers: ClinVar variation 1434797 (VCV001434797.6), dbSNP rs777120544, ClinGen allele CA7177746.